The following is an entry in ClinVar:

ClinVar aggregate classification (germline): Likely benign (0 of 4 stars; one submission).

Conditions:
MYRF-related disorder. Also called: MYRF-related condition; MYRF-related disorders.

Allele frequency attached by ClinVar (database versions not stated): TOPMed below 0.00001; gnomAD 0.00001; gnomAD exomes below 0.00001.
gnomAD v4.1: 2 of 1,614,032 alleles (0.00012%); highest among the groups gnomAD compares: Non-Finnish European, 0.00017%; no homozygotes.

Submission:

PreventionGenetics, part of Exact Sciences
Classification: Likely benign for MYRF-related condition. Last evaluated: 2021-04-01. Review status: no assertion criteria provided. Collection method: clinical testing. Allele origin: germline.
Comment: This variant is classified as likely benign based on ACMG/AMP sequence variant interpretation guidelines (Richards et al. 2015 PMID: 25741868, with internal and published modifications).

NM_001127392.3(MYRF):c.3333G>A (p.Leu1111=)

Gene: MYRF (myelin regulatory factor; plus strand). Cytogenetic location: 11q12.2.
Variant type: single nucleotide variant.
Coding change: c.3333G>A on transcript NM_001127392.3 (MANE Select); coding-DNA position 3333, G replaced by A.
Protein change: p.Leu1111=; no amino-acid change (leucine 1111 retained).
Molecular consequence: synonymous variant.
Genome position (GRCh38, 1-based): chr11:61,785,832, G>A. VCF-style: chr11-61785832-G-A. GRCh37 (hg19) VCF-style: chr11-61553304-G-A.
Other names: c.3213G>A, p.Leu1071= (NM_013279.4).
Identifiers: ClinVar variation 3031299 (VCV003031299.2), dbSNP rs1422597654, ClinGen allele CA474566340.